The following is an entry in ClinVar:

ClinVar aggregate classification (germline): Uncertain significance (1 of 4 stars; one submission).

Allele frequency attached by ClinVar (database versions not stated): gnomAD exomes 0.00001; ExAC 0.00001.
gnomAD v4.1: 3 of 1,614,200 alleles (0.00019%); highest among the groups gnomAD compares: East Asian, 0.0022%; no homozygotes.

Submission:

Labcorp Genetics (formerly Invitae), Labcorp
Classification: Uncertain significance. Last evaluated: 2025-06-03. Review status: criteria provided, single submitter. Criteria: Invitae Variant Classification Sherloc (09022015). Collection method: clinical testing. Allele origin: germline.
Comment: This sequence change replaces serine, which is neutral and polar, with isoleucine, which is neutral and non-polar, at codon 57 of the ZHX3 protein (p.Ser57Ile). This variant is present in population databases (rs770255401, gnomAD 0.01%). This variant has not been reported in the literature in individuals affected with ZHX3-related conditions. ClinVar contains an entry for this variant (Variation ID: 2093560). An algorithm developed to predict the effect of missense changes on protein structure and function (PolyPhen-2) suggests that this variant is likely to be disruptive. In summary, the available evidence is currently insufficient to determine the role of this variant in disease. Therefore, it has been classified as a Variant of Uncertain Significance.

NM_001384317.1(ZHX3):c.170G>T (p.Ser57Ile)

Gene: ZHX3 (zinc fingers and homeoboxes 3; minus strand). Cytogenetic location: 20q12.
Variant type: single nucleotide variant.
Coding change: c.170G>T on transcript NM_001384317.1 (MANE Select); coding-DNA position 170, G replaced by T.
Protein change: p.Ser57Ile; replaces serine 57 with isoleucine.
Molecular consequence: missense variant.
Genome position (GRCh38, 1-based): chr20:41,204,747, C>A on the plus strand (G>T on the coding strand, the complement: ZHX3 is on the minus strand). VCF-style: chr20-41204747-C-A. GRCh37 (hg19) VCF-style: chr20-39833387-C-A.
Other names: c.170G>T, p.Ser57Ile (NM_001384315.1, NM_001384316.1, NM_001384318.1 and 8 more transcripts); short protein forms S57I.
Identifiers: ClinVar variation 2093560 (VCV002093560.4), dbSNP rs770255401, ClinGen allele CA9860156.